The following is an entry in ClinVar:

NM_001365276.2(TNXB):c.7647T>C (p.Phe2549=)

Gene: TNXB (tenascin XB; minus strand). Cytogenetic location: 6p21.33.
Variant type: single nucleotide variant.
Coding change: c.7647T>C on transcript NM_001365276.2 (MANE Select); coding-DNA position 7647, T replaced by C.
Protein change: p.Phe2549=; no amino-acid change (phenylalanine 2549 retained).
Molecular consequence: synonymous variant.
Genome position (GRCh38, 1-based): chr6:32,058,236, A>G on the plus strand (T>C on the coding strand, the complement: TNXB is on the minus strand). VCF-style: chr6-32058236-A-G. GRCh37 (hg19) VCF-style: chr6-32026013-A-G.
Other names: p.Phe2549=; c.7647T>C, p.Phe2549= (NM_019105.8).
Identifiers: ClinVar variation 1197632 (VCV001197632.7), dbSNP rs571377258, ClinGen allele CA3734092.
Genomic context (GRCh38, chr6:32,058,236, plus strand): 5'-CCCAACACGCACCGCCTGGGGCCGCCCGTCCCTGTCCTTGTACTGCACGGTGAAGGAGTC[A>G]AAGCGGCCCTGGGGGACGGTCCAGGAAAGGCTCAGCGAGTCAGGGGAGGATCCTGTCACT-3'
Protein context (NP_001352205.1, residues 2539-2559): SLSWTVPQGR[Phe2549=]DSFTVQYKDR

ClinVar aggregate classification (germline): Benign/Likely benign. Review status: criteria provided, multiple submitters, no conflicts (2 of 4 stars). 5 submissions from 5 submitters: Benign (2); Likely benign (3). Last evaluated 2026-02-01.

Conditions:
Cardiovascular phenotype. Identifiers: MedGen CN230736.

Allele frequency attached by ClinVar (database versions not stated): gnomAD exomes 0.00183; ExAC 0.00245; 1000 Genomes Project 0.00958.

Submissions (5):

Labcorp Genetics (formerly Invitae), Labcorp
Classification: Likely benign. Last evaluated: 2026-02-01. Review status: criteria provided, single submitter. Criteria: Invitae Variant Classification Sherloc (09022015). Collection method: clinical testing. Allele origin: germline.

Mayo Clinic Laboratories, Mayo Clinic
Classification: Benign. Last evaluated: 2023-04-26. Review status: criteria provided, single submitter. Criteria: ACMG Guidelines, 2015. Collection method: clinical testing. Allele origin: germline. Observed: 8 variant alleles.
Comment: BS1, BS2, BP4, BP7

Ambry Genetics
Classification: Benign for Cardiovascular phenotype. Last evaluated: 2022-02-07. Review status: criteria provided, single submitter. Criteria: Ambry Variant Classification Scheme 2023. Collection method: clinical testing. Allele origin: germline.

GeneDx
Classification: Likely benign. Last evaluated: 2020-12-30. Review status: criteria provided, single submitter. Criteria: GeneDx Variant Classification Process June 2021. Collection method: clinical testing. Allele origin: germline. Affected: yes.

Breakthrough Genomics
Classification: Likely benign. Review status: criteria provided, single submitter. Criteria: ACMG Guidelines, 2015. Collection method: not provided. Allele origin: germline. Inheritance: Autosomal recessive inheritance. Affected: yes.